The following is an entry in ClinVar:

ClinVar aggregate classification (germline): Uncertain significance. Review status: criteria provided, multiple submitters, no conflicts (2 of 4 stars). 2 submissions from 2 submitters: Uncertain significance (2). Last evaluated 2025-03-03.

Conditions:
Neurofibromatosis, type 1 (NF1). Also called: Peripheral type neurofibromatosis; Neurofibromatosis, type I; NEUROFIBROMATOSIS, TYPE I, SOMATIC; VON RECKLINGHAUSEN DISEASE. Identifiers: Orphanet 636, MedGen C0027831, MONDO:0018975, OMIM 162200. Disease mechanism: loss of function.
Hereditary cancer-predisposing syndrome. Also called: Hereditary Cancer Syndrome; Neoplastic Syndromes, Hereditary; Hereditary neoplastic syndrome; Tumor predisposition. Identifiers: Orphanet 140162, MedGen C0027672, MeSH D009386, MONDO:0015356.
Cardiovascular phenotype. Identifiers: MedGen CN230736.

Submissions (2):

Labcorp Genetics (formerly Invitae), Labcorp
Classification: Uncertain significance for Neurofibromatosis, type 1. Last evaluated: 2025-03-03. Review status: criteria provided, single submitter. Criteria: Invitae Variant Classification Sherloc (09022015). Collection method: clinical testing. Allele origin: germline.
Comment: This sequence change replaces serine, which is neutral and polar, with arginine, which is basic and polar, at codon 637 of the NF1 protein (p.Ser637Arg). This variant is not present in population databases (gnomAD no frequency). This variant has not been reported in the literature in individuals affected with NF1-related conditions. ClinVar contains an entry for this variant (Variation ID: 820328). Invitae Evidence Modeling of protein sequence and biophysical properties (such as structural, functional, and spatial information, amino acid conservation, physicochemical variation, residue mobility, and thermodynamic stability) indicates that this missense variant is not expected to disrupt NF1 protein function with a negative predictive value of 95%. RNA analysis performed to evaluate the impact of this missense change on mRNA splicing indicates it does not significantly alter splicing (internal data). In summary, the available evidence is currently insufficient to determine the role of this variant in disease. Therefore, it has been classified as a Variant of Uncertain Significance.

Ambry Genetics
Classification: Uncertain significance for Cardiovascular phenotype; Hereditary cancer-predisposing syndrome. Last evaluated: 2019-10-14. Review status: criteria provided, single submitter. Criteria: Ambry Variant Classification Scheme 2023. Collection method: clinical testing. Allele origin: germline.
Comment: The p.S637R variant (also known as c.1911T>G), located in coding exon 17 of the NF1 gene, results from a T to G substitution at nucleotide position 1911. The serine at codon 637 is replaced by arginine, an amino acid with dissimilar properties. This amino acid position is not well conserved in available vertebrate species. In addition, this alteration is predicted to be tolerated by in silico analysis. Since supporting evidence is limited at this time, the clinical significance of this alteration remains unclear.

NM_001042492.3(NF1):c.1911T>G (p.Ser637Arg)

Gene: NF1 (neurofibromin 1; plus strand). Cytogenetic location: 17q11.2.
Variant type: single nucleotide variant.
Coding change: c.1911T>G on transcript NM_001042492.3 (MANE Select); coding-DNA position 1911, T replaced by G.
Protein change: p.Ser637Arg; replaces serine 637 with arginine.
Molecular consequence: missense variant.
Genome position (GRCh38, 1-based): chr17:31,225,160, T>G. VCF-style: chr17-31225160-T-G. GRCh37 (hg19) VCF-style: chr17-29552178-T-G.
Other names: c.1911T>G, p.Ser637Arg (NM_000267.4); short protein forms S637R.
Identifiers: ClinVar variation 820328 (VCV000820328.5), dbSNP rs1456848774, ClinGen allele CA399005273.